The following is an entry in ClinVar:

NM_013296.5(GPSM2):c.87G>A (p.Leu29=)

Gene: GPSM2 (G protein signaling modulator 2; plus strand). Cytogenetic location: 1p13.3.
Variant type: single nucleotide variant.
Coding change: c.87G>A on transcript NM_013296.5 (MANE Select); coding-DNA position 87, G replaced by A.
Protein change: p.Leu29=; no amino-acid change (leucine 29 retained).
Molecular consequence: synonymous variant.
Genome position (GRCh38, 1-based): chr1:108,896,894, G>A. VCF-style: chr1-108896894-G-A. GRCh37 (hg19) VCF-style: chr1-109439516-G-A.
Other names: c.87G>A, p.Leu29= (NM_001321038.2, NM_001321039.3).
Identifiers: ClinVar variation 45572 (VCV000045572.18), dbSNP rs112935966, ClinGen allele CA136676.

ClinVar aggregate classification (germline): Benign/Likely benign. Review status: criteria provided, multiple submitters, no conflicts (2 of 4 stars). 5 submissions from 5 submitters: Benign (3); Likely benign (2). Last evaluated 2026-01-27.

Conditions:
Chudley-McCullough syndrome (CMCS). Also called: DEAFNESS, SENSORINEURAL, WITH PARTIAL AGENESIS OF THE CORPUS CALLOSUM AND ARACHNOID CYSTS; Deafness, autosomal recessive 82. Identifiers: Orphanet 314597, MedGen C1858695, MONDO:0011411, OMIM 604213.

Allele frequency attached by ClinVar (database versions not stated): gnomAD exomes 0.00111 and 0.00295; ExAC 0.00355; gnomAD 0.01135 and 0.01226; 1000 Genomes Project 0.01138; 1000 Genomes Project 30x 0.01249; TOPMed 0.01297; ESP Exome Variant Server 0.01499.
gnomAD v4.1: 3,423 of 1,614,038 alleles (0.21%); highest among the groups gnomAD compares: African/African-American, 4%; 58 homozygotes.

Submissions (5):

Labcorp Genetics (formerly Invitae), Labcorp
Classification: Benign. Last evaluated: 2026-01-27. Review status: criteria provided, single submitter. Criteria: Invitae Variant Classification Sherloc (09022015). Collection method: clinical testing. Allele origin: germline.

Illumina Laboratory Services, Illumina
Classification: Likely benign for Chudley-McCullough syndrome. Last evaluated: 2018-01-13. Review status: criteria provided, single submitter. Criteria: ICSL Variant Classification Criteria 13 December 2019. Collection method: clinical testing. Allele origin: germline.
Comment: This variant was observed in the ICSL laboratory as part of a predisposition screen in an ostensibly healthy population. It had not been previously curated by ICSL or reported in the Human Gene Mutation Database (HGMD: prior to June 1st, 2018), and was therefore a candidate for classification through an automated scoring system. Utilizing variant allele frequency, disease prevalence and penetrance estimates, and inheritance mode, an automated score was calculated to assess if this variant is too frequent to cause the disease. Based on the score and internal cut-off values, a variant classified as likely benign is not then subjected to further curation. The score for this variant resulted in a classification of likely benign for this disease.

GeneDx
Classification: Benign. Last evaluated: 2016-06-07. Review status: criteria provided, single submitter. Criteria: GeneDx Variant Classification (06012015). Collection method: clinical testing. Allele origin: germline. Affected: yes.
Comment: This variant is considered likely benign or benign based on one or more of the following criteria: it is a conservative change, it occurs at a poorly conserved position in the protein, it is predicted to be benign by multiple in silico algorithms, and/or has population frequency not consistent with disease.

Laboratory for Molecular Medicine, Mass General Brigham Personalized Medicine
Classification: Benign. Last evaluated: 2012-05-07. Review status: criteria provided, single submitter. Criteria: LMM Criteria. Collection method: clinical testing. Allele origin: germline. Observed: 11 variant alleles.
Comment: "Leu29Leu in Exon 03 of GPSM2: This variant is not expected to have clinical sig nificance because it does not alter an amino acid residue, is not located within the splice consensus sequence, and has been identified in 4.3% (160/3738) of Af rican American chromosomes from a broad population by the NHLBI Exome Sequencing Project (dbSNP rs112935966)."

Breakthrough Genomics
Classification: Likely benign. Review status: criteria provided, single submitter. Criteria: ACMG Guidelines, 2015. Collection method: not provided. Allele origin: germline. Inheritance: Autosomal recessive inheritance. Affected: yes.